The following is an entry in ClinVar:

NM_004260.4(RECQL4):c.3531C>T (p.Tyr1177=)

Gene: RECQL4 (RecQ like helicase 4; minus strand). Cytogenetic location: 8q24.3.
Variant type: single nucleotide variant.
Coding change: c.3531C>T on transcript NM_004260.4 (MANE Select); coding-DNA position 3531, C replaced by T.
Protein change: p.Tyr1177=; no amino-acid change (tyrosine 1177 retained).
Molecular consequence: synonymous variant.
Genome position (GRCh38, 1-based): chr8:144,511,527, G>A on the plus strand (C>T on the coding strand, the complement: RECQL4 is on the minus strand). VCF-style: chr8-144511527-G-A. GRCh37 (hg19) VCF-style: chr8-145736910-G-A.
Identifiers: ClinVar variation 239765 (VCV000239765.35), dbSNP rs139228543, ClinGen allele CA4947658.
Genomic context (GRCh38, chr8:144,511,527, plus strand): 5'-GCCCACCAGGGCATGGAAGCTCAGGTGCAGGTATTTTCTCCAGAAGCGTCGGTCCTGCCC[G>A]TACACCTGGGCCGGGTAGCAGGGGCTTCCTACGGTGGAGCCAAGACACAGCCGTGAGCCC-3'
Protein context (NP_004251.4, residues 1167-1187): IGSPCYPAQV[Tyr1177=]GQDRRFWRKY

ClinVar aggregate classification (germline): Benign/Likely benign. Review status: criteria provided, multiple submitters, no conflicts (2 of 4 stars). 3 submissions from 3 submitters: Benign (1); Likely benign (1). 1 of the submissions does not count toward it. Last evaluated 2026-01-11.

Conditions:
RECQL4-related disorder. Also called: RECQL4-related disorders; RECQL4-related condition.
Baller-Gerold syndrome (BGS). Also called: CRANIOSYNOSTOSIS WITH RADIAL DEFECTS. Identifiers: Orphanet 1225, MedGen C0265308, MONDO:0009039, OMIM 218600.

Allele frequency attached by ClinVar (database versions not stated): gnomAD 0.00004 and 0.00027; TOPMed 0.00004; ESP Exome Variant Server 0.00008; 1000 Genomes Project 30x 0.00125; 1000 Genomes Project 0.00140.
gnomAD v4.1: 648 of 1,612,462 alleles (0.04%); highest among the groups gnomAD compares: East Asian, 0.95%; 3 homozygotes.

Submissions (3):

Labcorp Genetics (formerly Invitae), Labcorp
Classification: Benign for Baller-Gerold syndrome. Last evaluated: 2026-01-11. Review status: criteria provided, single submitter. Criteria: Invitae Variant Classification Sherloc (09022015). Collection method: clinical testing. Allele origin: germline.

CeGaT Center for Human Genetics Tuebingen
Classification: Likely benign. Last evaluated: 2022-12-01. Review status: criteria provided, single submitter. Criteria: CeGaT Center For Human Genetics Tuebingen Variant Classification Criteria Version 2. Collection method: clinical testing. Allele origin: germline. Affected: yes. Observed: 1 variant allele.
Comment: RECQL4: BP4, BP7

PreventionGenetics, part of Exact Sciences
Classification: Likely benign for RECQL4-related condition. Last evaluated: 2022-03-17. Review status: no assertion criteria provided. Collection method: clinical testing. Allele origin: germline. Not counted in ClinVar's aggregate classification.
Comment: This variant is classified as likely benign based on ACMG/AMP sequence variant interpretation guidelines (Richards et al. 2015 PMID: 25741868, with internal and published modifications).